The following is an entry in ClinVar:

NM_003000.3(SDHB):c.72+2T>G

Genes: SDHB (succinate dehydrogenase complex iron sulfur subunit B; minus strand), LOC129929542 (ATAC-STARR-seq lymphoblastoid active region 277; plus strand). Cytogenetic location: 1p36.13.
Variant type: single nucleotide variant.
Coding change: c.72+2T>G on transcript NM_003000.3 (MANE Select); the canonical splice donor site of the intron after coding-DNA position 72, T replaced by G.
Molecular consequence: splice donor variant.
Genome position (GRCh38, 1-based): chr1:17,053,946, A>C on the plus strand (T>G on the coding strand, the complement: SDHB is on the minus strand). VCF-style: chr1-17053946-A-C. GRCh37 (hg19) VCF-style: chr1-17380441-A-C.
Other names: c.72+2T>G (NM_001407361.1).
Identifiers: ClinVar variation 2574076 (VCV002574076.1), dbSNP rs1570963414, ClinGen allele CA338230567.
Genomic context (GRCh38, chr1:17,053,946, plus strand): 5'-TCAGCTCCAGGCAGTCTCTGTGGCTTTCCTGACTTTTCCCTCTCTGAGGCTCCAGGACTC[A>C]CCTGCAGGCAGGCTCCGCCAAGGGTTGTGGCCGGCAACCGGCGCCTCAAGGAGAGGGCGA-3'

ClinVar aggregate classification (germline): Likely pathogenic (0 of 4 stars; one submission).

Conditions:
Pheochromocytoma/paraganglioma syndrome 4. Also called: CAROTID BODY TUMORS AND MULTIPLE EXTRAADRENAL PHEOCHROMOCYTOMAS; PARAGANGLIOMA, FAMILIAL MALIGNANT; PARAGANGLIOMAS, HEREDITARY EXTRAADRENAL; PHEOCHROMOCYTOMA, FAMILIAL EXTRAADRENAL; Paragangliomas 4; SDHB-Related Hereditary Paraganglioma-Pheochromocytoma Syndrome (Paragangliomas 4). Identifiers: Orphanet 29072, MedGen C1861848, MONDO:0007273, OMIM 115310.

Submission:

deCODE genetics, Amgen
Classification: Likely pathogenic for Pheochromocytoma/paraganglioma syndrome 4. Last evaluated: 2023-07-21. Review status: no assertion criteria provided. Collection method: research. Allele origin: germline. Affected: yes. Observed: 3 variant alleles.
Comment: The variant NM_003000.3:c.72+2T>G (chr1:17053946) in SDHB was detected in 3 heterozygotes out of 58K WGS Icelanders (MAF= 0,003%). This variant has not been reported in ClinVar previously. Based on ACMG criteria (PVS1, PM2) this variant classifies as likely pathogenic.